The following is an entry in ClinVar:

ClinVar aggregate classification (germline): Uncertain significance. Review status: criteria provided, multiple submitters, no conflicts (2 of 4 stars). 2 submissions from 2 submitters: Uncertain significance (2). Last evaluated 2023-02-27.

Conditions:
Monogenic diabetes. Identifiers: Orphanet 183625, MedGen C3888631, MONDO:0015967.

Allele frequency attached by ClinVar (database versions not stated): ExAC 0.00004; ESP Exome Variant Server 0.00008; gnomAD exomes 0.00009 and 0.00015; TOPMed 0.00015; gnomAD 0.00020 and 0.00021.
gnomAD v4.1: 245 of 1,613,100 alleles (0.015%); highest among the groups gnomAD compares: Non-Finnish European, 0.02%; 1 homozygote.

Submissions (2):

Ambry Genetics
Classification: Uncertain significance. Last evaluated: 2023-02-27. Review status: criteria provided, single submitter. Criteria: Ambry Variant Classification Scheme 2023. Collection method: clinical testing. Allele origin: germline.

Personalized Diabetes Medicine Program, University of Maryland School of Medicine
Classification: Uncertain significance for Monogenic diabetes. Last evaluated: 2018-08-24. Review status: criteria provided, single submitter. Criteria: ACMG Guidelines, 2015. Collection method: research. Allele origin: unknown. Observed: 1 variant allele, 1 heterozygote.
Comment: ACMG criteria: BP4 (10 predictors, REVEL=0.021)=VUS

NM_002711.4(PPP1R3A):c.2822T>C (p.Met941Thr)

Gene: PPP1R3A (protein phosphatase 1 regulatory subunit 3A; minus strand). Cytogenetic location: 7q31.1.
Variant type: single nucleotide variant.
Coding change: c.2822T>C on transcript NM_002711.4 (MANE Select); coding-DNA position 2822, T replaced by C.
Protein change: p.Met941Thr; replaces methionine 941 with threonine.
Molecular consequence: missense variant.
Genome position (GRCh38, 1-based): chr7:113,878,270, A>G on the plus strand (T>C on the coding strand, the complement: PPP1R3A is on the minus strand). VCF-style: chr7-113878270-A-G. GRCh37 (hg19) VCF-style: chr7-113518325-A-G.
Other names: c.2822T>C (NM_002711.3); short protein forms M941T.
Identifiers: ClinVar variation 917449 (VCV000917449.3), dbSNP rs138771673, ClinGen allele CA4444999.